The following is an entry in ClinVar:

ClinVar aggregate classification (germline): Benign/Likely benign. Review status: criteria provided, multiple submitters, no conflicts (2 of 4 stars). 3 submissions from 3 submitters: Benign (1); Likely benign (1). 1 of the submissions does not count toward it. Last evaluated 2026-06-01.

Conditions:
ALKBH8-related disorder. Also called: ALKBH8-related condition.

Allele frequency attached by ClinVar (database versions not stated): ESP Exome Variant Server 0.00022; ExAC 0.00069; gnomAD 0.00075 and 0.00084; TOPMed 0.00087; 1000 Genomes Project 0.00319; 1000 Genomes Project 30x 0.00344.
gnomAD v4.1: 585 of 1,551,644 alleles (0.038%); highest among the groups gnomAD compares: East Asian, 0.85%; 9 homozygotes.

Submissions (3):

CeGaT Center for Human Genetics Tuebingen
Classification: Likely benign. Last evaluated: 2026-06-01. Review status: criteria provided, single submitter. Criteria: CeGaT Center For Human Genetics Tuebingen Variant Classification Criteria Version 2. Collection method: clinical testing. Allele origin: germline. Affected: yes. Observed: 1 variant allele.
Comment: ALKBH8: BS1

Labcorp Genetics (formerly Invitae), Labcorp
Classification: Benign. Last evaluated: 2018-03-30. Review status: criteria provided, single submitter. Criteria: Invitae Variant Classification Sherloc (09022015). Collection method: clinical testing. Allele origin: germline.

PreventionGenetics, part of Exact Sciences
Classification: Benign for ALKBH8-related condition. Last evaluated: 2020-02-17. Review status: no assertion criteria provided. Collection method: clinical testing. Allele origin: germline. Not counted in ClinVar's aggregate classification.
Comment: This variant is classified as benign based on ACMG/AMP sequence variant interpretation guidelines (Richards et al. 2015 PMID: 25741868, with internal and published modifications).

NM_138775.3(ALKBH8):c.1400G>C (p.Cys467Ser)

Gene: ALKBH8 (alkB homolog 8, tRNA methyltransferase; minus strand). Cytogenetic location: 11q22.3.
Variant type: single nucleotide variant.
Coding change: c.1400G>C on transcript NM_138775.3 (MANE Select); coding-DNA position 1400, G replaced by C.
Protein change: p.Cys467Ser; replaces cysteine 467 with serine.
Molecular consequence: missense variant. On other transcripts: non-coding transcript variant (4), intron variant (1).
Genome position (GRCh38, 1-based): chr11:107,510,924, C>G on the plus strand (G>C on the coding strand, the complement: ALKBH8 is on the minus strand). VCF-style: chr11-107510924-C-G. GRCh37 (hg19) VCF-style: chr11-107381650-C-G.
Other names: c.1400G>C, p.Cys467Ser (NM_001301010.3); c.1288-5709G>C (NM_001378133.1); short protein forms C467S.
Identifiers: ClinVar variation 732297 (VCV000732297.7), dbSNP rs145502774, ClinGen allele CA6261041.